The following is an entry in ClinVar:

ClinVar aggregate classification (germline): Pathogenic (1 of 4 stars; one submission).

Conditions:
Kleefstra syndrome 1 (KLEFS1). Identifiers: Orphanet 261494, MedGen C0795833, MONDO:0027407, OMIM 610253.

Submission:

Laboratory of Genetics, Children's Clinical University Hospital Latvia
Classification: Pathogenic for Kleefstra syndrome 1. Review status: criteria provided, single submitter. Criteria: ACMG Guidelines, 2015. Collection method: curation. Allele origin: de novo. Affected: yes.
Comment: de novo

Literature cited by the submitters: PubMed 39013458.

NM_024757.5(EHMT1):c.2636G>A (p.Trp879Ter)

Gene: EHMT1 (euchromatic histone lysine methyltransferase 1; plus strand). Cytogenetic location: 9q34.3.
Variant type: single nucleotide variant.
Coding change: c.2636G>A on transcript NM_024757.5 (MANE Select); coding-DNA position 2636, G replaced by A.
Protein change: p.Trp879Ter; replaces tryptophan 879 with a stop codon.
Molecular consequence: nonsense.
Genome position (GRCh38, 1-based): chr9:137,800,908, G>A. VCF-style: chr9-137800908-G-A. GRCh37 (hg19) VCF-style: chr9-140695360-G-A.
Other names: c.2615G>A, p.Trp872Ter (NM_001354263.2); short protein forms W872*, W879*.
Identifiers: ClinVar variation 3236872 (VCV003236872.1).